The following is an entry in ClinVar:

ClinVar aggregate classification (germline): Pathogenic/Likely pathogenic. Review status: criteria provided, multiple submitters, no conflicts (2 of 4 stars). 3 submissions from 3 submitters: Pathogenic (2); Likely pathogenic (1). Last evaluated 2025-11-24.

Conditions:
NSD1-related disorder. Also called: NSD1-related condition.
Sotos syndrome (SOTOS). Also called: Distinctive facial appearance, overgrowth in childhood, and learning disabilities or delayed development; CEREBRAL GIGANTISM; Sotos' syndrome; CHROMOSOME 5q35 DELETION SYNDROME; SOTOS SYNDROME 1. Identifiers: Orphanet 821, MedGen C0175695, MONDO:0019349, OMIM 117550.

Submissions (3):

PreventionGenetics, part of Exact Sciences
Classification: Likely pathogenic for NSD1-related condition. Last evaluated: 2025-11-24. Review status: criteria provided, single submitter. Criteria: ACMG Guidelines, 2015. Collection method: clinical testing. Allele origin: germline.
Comment: The NSD1 c.3046_3047delGT variant is predicted to result in a frameshift and premature protein termination (p.Val1016Tyrfs*2). To our knowledge, this variant has not been reported in the literature or a large population database (gnomAD), indicating this variant is rare. Frameshift variants in NSD1 are expected to be pathogenic. This variant is interpreted as likely pathogenic.

Genetic Services Laboratory, University of Chicago
Classification: Pathogenic for Sotos syndrome 1. Last evaluated: 2013-02-08. Review status: criteria provided, single submitter. Criteria: ACMG Guidelines, 2007. Collection method: clinical testing. Allele origin: germline. Inheritance: Autosomal dominant inheritance. Affected: yes.

Juno Genomics, Hangzhou Juno Genomics, Inc
Classification: Pathogenic for Sotos syndrome. Review status: criteria provided, single submitter. Criteria: ACMG Guidelines, 2015. Collection method: clinical testing. Allele origin: germline. Affected: yes.
Comment: Absent from controls (or at extremely low frequency if recessive) in Genome Aggregation Database, Exome Sequencing Project, 1000 Genomes Project, or Exome Aggregation Consortium.;De novo (both maternity and paternity confirmed) in a patient with the disease and no family history.;Null variant in a gene where loss of function (LOF) is a known mechanism of disease.

NM_022455.5(NSD1):c.3046_3047del (p.Val1016fs)

Gene: NSD1 (nuclear receptor binding SET domain protein 1; plus strand). Cytogenetic location: 5q35.3.
Variant type: Microsatellite.
Coding change: c.3046_3047del on transcript NM_022455.5 (MANE Select); coding-DNA positions 3046 to 3047, 2 bases deleted (GT; older notation c.3046_3047delGT).
Protein change: p.Val1016fs; shifts the reading frame from valine 1016.
Molecular consequence: frameshift variant.
Genome position (GRCh38, 1-based): chr5:177,211,445-177,211,446, GT deleted; deleting any 2 consecutive bases within chr5:177,211,442-177,211,446 gives the same sequence; the c. name uses the placement nearest the transcript's 3' end. VCF-style (leftmost placement, unchanged base first): chr5-177211441-CTG-C. GRCh37 (hg19) VCF-style: chr5-176638442-CTG-C.
Other names: c.3046_3047delGT (NM_022455.4); c.3046_3047del (NM_022455.4); c.2171_2172GT[1], p.Val725Tyrfs (NM_001365684.2, NM_001409306.1, NM_001409307.1 and 3 more transcripts); c.3044_3045GT[1], p.Val1016Tyrfs (NM_001409301.1, NM_001409302.1, NM_001409303.1); c.2624_2625GT[1], p.Val876Tyrfs (NM_001409304.1); c.2291_2292GT[1], p.Val765Tyrfs (NM_001409305.1); short protein forms V1016fs, V747fs.
Identifiers: ClinVar variation 159297 (VCV000159297.10), dbSNP rs587784094, ClinGen allele CA294838.
Genomic context (GRCh38, chr5:177,211,441, plus strand): 5'-CCTACCTGGCTTACTGTCCGACAAGAGAGACCTCCCTGCTTCTGGTAAAAGTCGTTCAGA[CTG>C]TGTTACTAGGCGCAACTGTGGACGATCAAAGCCTTCATCCAAATTGCGAGATGCTTTTTC-3'